The following is an entry in ClinVar:

NM_000214.3(JAG1):c.1345A>G (p.Ile449Val)

Gene: JAG1 (jagged canonical Notch ligand 1; minus strand). Cytogenetic location: 20p12.2.
Variant type: single nucleotide variant.
Coding change: c.1345A>G on transcript NM_000214.3 (MANE Select); coding-DNA position 1345, A replaced by G.
Protein change: p.Ile449Val; replaces isoleucine 449 with valine.
Molecular consequence: missense variant.
Genome position (GRCh38, 1-based): chr20:10,649,525, T>C on the plus strand (A>G on the coding strand, the complement: JAG1 is on the minus strand). VCF-style: chr20-10649525-T-C. GRCh37 (hg19) VCF-style: chr20-10630173-T-C.
Other names: short protein forms I449V.
Identifiers: ClinVar variation 1361164 (VCV001361164.7), dbSNP rs2122610344, ClinGen allele CA408238087.

ClinVar aggregate classification (germline): Uncertain significance. Review status: criteria provided, multiple submitters, no conflicts (2 of 4 stars). 2 submissions from 2 submitters: Uncertain significance (2). Last evaluated 2025-02-01.

Conditions:
Alagille syndrome due to a JAG1 point mutation. Also called: Alagille Syndrome 1; HEPATIC DUCTULAR HYPOPLASIA, SYNDROMATIC; JAG1-Related Alagille Syndrome. Identifiers: Orphanet 261619, Orphanet 52, MedGen C1956125, MONDO:0016862, OMIM 118450.

Submissions (2):

Department of Human Genetics, Hannover Medical School
Classification: Uncertain significance for Alagille syndrome due to a JAG1 point mutation. Last evaluated: 2025-02-01. Review status: criteria provided, single submitter. Criteria: ACMG Guidelines, 2015. Collection method: curation. Allele origin: germline. Affected: yes. Observed: 1 variant allele.
Comment: ACMG: Variant is absent from controls (gnomAD v4.1 ) [PM2_supp]; Missense variant in a gene that has a low rate of benign missense variation and in which missense variants are a common mechanism of disease (Missense gnomAD constraint Z-Score JAG1: 5,3) [PP2]; Computational evidence support a deleterious effect on the gene or gene product (new donor splice site predicted at c.1344 Splice AI: [0-1]: 1 MaxEntScan: [0-12]:_-->10.93) [PP3]

Labcorp Genetics (formerly Invitae), Labcorp
Classification: Uncertain significance for Alagille syndrome due to a JAG1 point mutation. Last evaluated: 2021-10-22. Review status: criteria provided, single submitter. Criteria: Invitae Variant Classification Sherloc (09022015). Collection method: clinical testing. Allele origin: germline.
Comment: In summary, the available evidence is currently insufficient to determine the role of this variant in disease. Therefore, it has been classified as a Variant of Uncertain Significance. Algorithms developed to predict the effect of sequence changes on RNA splicing suggest that this variant may create or strengthen a splice site. Advanced modeling of protein sequence and biophysical properties (such as structural, functional, and spatial information, amino acid conservation, physicochemical variation, residue mobility, and thermodynamic stability) performed at Invitae indicates that this missense variant is not expected to disrupt JAG1 protein function. This variant has not been reported in the literature in individuals affected with JAG1-related conditions. This variant is not present in population databases (gnomAD no frequency). This sequence change replaces isoleucine, which is neutral and non-polar, with valine, which is neutral and non-polar, at codon 449 of the JAG1 protein (p.Ile449Val).